The following is an entry in ClinVar:

NM_001267550.2(TTN):c.54109C>T (p.Arg18037Trp)

Genes: TTN (titin; minus strand), TTN-AS1 (TTN antisense RNA 1; plus strand). Cytogenetic location: 2q31.2.
Variant type: single nucleotide variant.
Coding change: c.54109C>T on transcript NM_001267550.2 (MANE Select); coding-DNA position 54109, C replaced by T.
Protein change: p.Arg18037Trp; replaces arginine 18037 with tryptophan.
Molecular consequence: missense variant. On other transcripts: non-coding transcript variant (1).
Genome position (GRCh38, 1-based): chr2:178,605,068, G>A on the plus strand (C>T on the coding strand, the complement: TTN is on the minus strand). VCF-style: chr2-178605068-G-A. GRCh37 (hg19) VCF-style: chr2-179469795-G-A.
Other names: p.Arg16396Trp; c.49186C>T, p.Arg16396Trp (NM_001256850.1); c.46405C>T, p.Arg15469Trp (NM_133378.4); c.26914C>T, p.Arg8972Trp (NM_003319.4); c.27289C>T, p.Arg9097Trp (NM_133432.3); c.27490C>T, p.Arg9164Trp (NM_133437.4); short protein forms R15469W, R18037W, R8972W, R9097W, R9164W, R16396W.
Identifiers: ClinVar variation 229462 (VCV000229462.20), dbSNP rs201623791, ClinGen allele CA1993698.

ClinVar aggregate classification (germline): Conflicting classifications of pathogenicity. Review status: criteria provided, conflicting classifications (1 of 4 stars). 13 submissions from 9 submitters: Uncertain significance (9); Likely benign (4). Last evaluated 2026-09-01.

Conditions:
TTN-related disorder. Also called: TTN-related disorders; TTN-related condition; TTN-related disease.
Cardiovascular phenotype. Identifiers: MedGen CN230736.
Dilated cardiomyopathy 1G (CMD1G). Identifiers: Orphanet 154, MedGen C1858763, MONDO:0011400, OMIM 604145.
Autosomal recessive limb-girdle muscular dystrophy type 2J (LGMDR10). Also called: Limb-girdle muscular dystrophy, type 2J; MUSCULAR DYSTROPHY, LIMB-GIRDLE, AUTOSOMAL RECESSIVE 10. Identifiers: Orphanet 140922, MedGen C1837342, MONDO:0012127, OMIM 608807.
Myopathy, myofibrillar, 9, with early respiratory failure (MFM9). Also called: Myopathy, distal, with early respiratory failure, autosomal dominant; MYOPATHY, PROXIMAL, WITH EARLY RESPIRATORY MUSCLE INVOLVEMENT; Hereditary myopathy with early respiratory failure; EDSTROM MYOPATHY. Identifiers: Orphanet 178464, Orphanet 34521, MedGen C1863599, MONDO:0011362, OMIM 603689.
Tibial muscular dystrophy (TMD). Also called: Tibial muscular dystrophy, tardive; Udd Distal Myopathy – Tibial Muscular Dystrophy; UDD MYOPATHY. Identifiers: Orphanet 609, MedGen C1838244, MONDO:0010870, OMIM 600334.
Early-onset myopathy with fatal cardiomyopathy (CMYO5). Also called: CONGENITAL MYOPATHY 5 WITH CARDIOMYOPATHY; Salih Myopathy. Identifiers: Orphanet 289377, MedGen C2673677, MONDO:0012714, OMIM 611705. Disease mechanism: loss of function.

Allele frequency attached by ClinVar (database versions not stated): ExAC 0.00004; gnomAD exomes 0.00005 and 0.00011; gnomAD 0.00008 and 0.00009; TOPMed 0.00012; ESP Exome Variant Server 0.00025.
gnomAD v4.1: 178 of 1,612,392 alleles (0.011%); highest among the groups gnomAD compares: Non-Finnish European, 0.013%; no homozygotes.

Submissions (13):

PreventionGenetics, part of Exact Sciences
Classification: Uncertain significance for TTN-related condition. Last evaluated: 2026-09-01. Review status: criteria provided, single submitter. Criteria: ACMG Guidelines, 2015. Collection method: clinical testing. Allele origin: germline.
Comment: The TTN c.54109C>T variant is predicted to result in the amino acid substitution p.Arg18037Trp. This variant has been reported in an individual with dilated cardiomyopathy (DCM, Table S3, Mazzarotto et al. 2020. PubMed ID: 31983221) and in a pediatric case with hypertrophic cardiomyopathy (reported as p.Arg15469Trp in NM_133378 in Supplemental Table 2, Burstein et al. 2020. PubMed ID: 32746448). Of note, this variant was reported in a family with DCM; however, this family also carried a causative variant in the MYH7 gene which could explain the clinical features (Minoche et al. 2018. PubMed ID: 29961767; Horvat et al. 2018. PubMed ID: 29892087). This variant is reported in 0.012% of alleles in individuals of African descent in gnomAD and has conflicting interpretations regarding its pathogenicity in ClinVar, ranging from likely benign to uncertain (Variation ID: 229462). Although we suspect that this variant may be benign, at this time, the clinical significance of this variant is uncertain due to the absence of conclusive functional and genetic evidence.

Mayo Clinic Laboratories, Mayo Clinic
Classification: Uncertain significance. Last evaluated: 2025-10-22. Review status: criteria provided, single submitter. Criteria: ACMG Guidelines, 2015. Collection method: clinical testing. Allele origin: germline. Observed: 3 variant alleles.
Comment: BP5

Ambry Genetics
Classification: Likely benign for Cardiovascular phenotype. Last evaluated: 2022-10-01. Review status: criteria provided, single submitter. Criteria: Ambry Variant Classification Scheme 2023. Collection method: clinical testing. Allele origin: germline.

Women's Health and Genetics/Laboratory Corporation of America, LabCorp
Classification: Uncertain significance. Last evaluated: 2020-10-27. Review status: criteria provided, single submitter. Criteria: LabCorp Variant Classification Summary - May 2015. Collection method: clinical testing. Allele origin: germline.
Comment: Variant summary: TTN c.46405C>T (p.Arg15469Trp) results in a non-conservative amino acid change located in the A-band region of the encoded protein sequence. Four of five in-silico tools predict a damaging effect of the variant on protein function. The variant allele was found at a frequency of 5.2e-05 in 247652 control chromosomes, predominantly at a frequency of 8.9e-05 within the Non-Finnish European subpopulation in the gnomAD database. However, in certain European subpopulations the variant occurs with an even higher frequency, e.g. in North-western Europeans (allele frequency: 0.0002). This frequency somewhat lower than the maximum expected for a pathogenic variant in TTN causing Dilated Cardiomyopathy (0.00039), allowing no clear conclusions about variant significance. The variant, c.46405C>T, has been reported in the literature in individuals affected with Dilated Cardiomyopathy (Horvat_2018, Minoche_2018, Mazzarotto_2020). However, in a reported family, this variant didn't segregate with the disease, while a pathogenic variant (MYH7 c.1106G>A, p.Arg369Gln), which could explain the phenotype, segregated with the disease (Horvat_2018, Minoche_2018); these data provide supporting evidence for a benign role. To our knowledge, no experimental evidence demonstrating an impact on protein function has been reported. Four clinical diagnostic laboratories have submitted clinical-significance assessments for this variant to ClinVar after 2014 without evidence for independent evaluation, and classified the variant as VUS (3x) or likely benign (1x). Based on the evidence outlined above, the variant was classified as VUS-possibly benign.

GeneDx
Classification: Likely benign. Last evaluated: 2020-09-29. Review status: criteria provided, single submitter. Criteria: GeneDx Variant Classification Process June 2021. Collection method: clinical testing. Allele origin: germline. Affected: yes.
Comment: This variant is associated with the following publications: (PMID: 31983221)

Revvity Omics, Revvity
Classification: Uncertain significance. Last evaluated: 2019-07-10. Review status: criteria provided, single submitter. Criteria: ACMG Guidelines, 2015. Collection method: clinical testing. Allele origin: germline.

Illumina Laboratory Services, Illumina
Classification: Likely benign for Tibial muscular dystrophy. Last evaluated: 2018-01-13. Review status: criteria provided, single submitter. Criteria: ICSL Variant Classification Criteria 13 December 2019. Collection method: clinical testing. Allele origin: germline.
Comment: This variant was observed in the ICSL laboratory as part of a predisposition screen in an ostensibly healthy population. It had not been previously curated by ICSL or reported in the Human Gene Mutation Database (HGMD: prior to June 1st, 2018), and was therefore a candidate for classification through an automated scoring system. Utilizing variant allele frequency, disease prevalence and penetrance estimates, and inheritance mode, an automated score was calculated to assess if this variant is too frequent to cause the disease. Based on the score and internal cut-off values, a variant classified as likely benign is not then subjected to further curation. The score for this variant resulted in a classification of likely benign for this disease.

Illumina Laboratory Services, Illumina
Classification: Uncertain significance for Autosomal recessive limb-girdle muscular dystrophy type 2J. Last evaluated: 2018-01-13. Review status: criteria provided, single submitter. Criteria: ICSL Variant Classification Criteria 13 December 2019. Collection method: clinical testing. Allele origin: germline.

Illumina Laboratory Services, Illumina
Classification: Likely benign for Myopathy, myofibrillar, 9, with early respiratory failure. Last evaluated: 2018-01-13. Review status: criteria provided, single submitter. Criteria: ICSL Variant Classification Criteria 13 December 2019. Collection method: clinical testing. Allele origin: germline.
Comment: the same text as in the submission from Illumina Laboratory Services, Illumina above.

Illumina Laboratory Services, Illumina
Classification: Uncertain significance for Dilated cardiomyopathy 1G. Last evaluated: 2018-01-13. Review status: criteria provided, single submitter. Criteria: ICSL Variant Classification Criteria 13 December 2019. Collection method: clinical testing. Allele origin: germline.

Illumina Laboratory Services, Illumina
Classification: Uncertain significance for Early-onset myopathy with fatal cardiomyopathy. Last evaluated: 2018-01-13. Review status: criteria provided, single submitter. Criteria: ICSL Variant Classification Criteria 13 December 2019. Collection method: clinical testing. Allele origin: germline.

Laboratory for Molecular Medicine, Mass General Brigham Personalized Medicine
Classification: Uncertain significance. Last evaluated: 2017-08-03. Review status: criteria provided, single submitter. Criteria: LMM Criteria. Collection method: clinical testing. Allele origin: germline. Observed: 1 variant allele.
Comment: The p.Arg15469Trp variant in TTN has not been previously reported in individuals with cardiomyopathy, but has been identified in 9/125506 European and 3/23972 A frican chromosomes by the Genome Aggregation Database (gnomAD,, dbSNP rs201623791). Computational prediction tools and conserva tion analysis suggest that this variant may impact the protein, though this info rmation is not predictive enough to determine pathogenicity. In summary, the cli nical significance of the p.Arg15469Trp variant is uncertain.

Labcorp Genetics (formerly Invitae), Labcorp
Classification: Uncertain significance for Dilated cardiomyopathy 1G; Autosomal recessive limb-girdle muscular dystrophy type 2J. Last evaluated: 2017-05-10. Review status: criteria provided, single submitter. Criteria: Invitae Variant Classification Sherloc (09022015). Collection method: clinical testing. Allele origin: germline.

Literature cited by the submitters: PubMed 29892087 (cited by Mayo Clinic Laboratories, Mayo Clinic and Women's Health and Genetics/Laboratory Corporation of America, LabCorp); PubMed 29961767 (cited by Mayo Clinic Laboratories, Mayo Clinic and Women's Health and Genetics/Laboratory Corporation of America, LabCorp); PubMed 31983221 (cited by Mayo Clinic Laboratories, Mayo Clinic and Women's Health and Genetics/Laboratory Corporation of America, LabCorp); PubMed 32746448 (cited by Mayo Clinic Laboratories, Mayo Clinic).